The following is an entry in ClinVar:

ClinVar aggregate classification (germline): Uncertain significance. Review status: criteria provided, multiple submitters, no conflicts (2 of 4 stars). 2 submissions from 2 submitters: Uncertain significance (2). Last evaluated 2025-10-10.

Conditions:
Hereditary cancer-predisposing syndrome. Also called: Neoplastic Syndromes, Hereditary; Tumor predisposition; Hereditary Cancer Syndrome; Hereditary neoplastic syndrome. Identifiers: Orphanet 140162, MedGen C0027672, MeSH D009386, MONDO:0015356.

Allele frequency attached by ClinVar (database versions not stated): TOPMed 0.00001; ExAC 0.00001; gnomAD 0.00001; gnomAD exomes 0.00001.
gnomAD v4.1: 13 of 1,614,070 alleles (0.00081%); highest among the groups gnomAD compares: Non-Finnish European, 0.0011%; no homozygotes.

Submissions (2):

Ambry Genetics
Classification: Uncertain significance for Hereditary cancer-predisposing syndrome. Last evaluated: 2025-10-10. Review status: criteria provided, single submitter. Criteria: Ambry Variant Classification Scheme 2023. Collection method: clinical testing. Allele origin: germline.
Comment: The p.D675G variant (also known as c.2024A>G), located in coding exon 13 of the RAD50 gene, results from an A to G substitution at nucleotide position 2024. The aspartic acid at codon 675 is replaced by glycine, an amino acid with similar properties. This amino acid position is not well conserved in available vertebrate species. In addition, this alteration is predicted to be tolerated by in silico analysis. Since supporting evidence is limited at this time, the clinical significance of this alteration remains unclear.

Labcorp Genetics (formerly Invitae), Labcorp
Classification: Uncertain significance for Hereditary cancer-predisposing syndrome. Last evaluated: 2025-04-30. Review status: criteria provided, single submitter. Criteria: Invitae Variant Classification Sherloc (09022015). Collection method: clinical testing. Allele origin: germline.
Comment: This sequence change replaces aspartic acid, which is acidic and polar, with glycine, which is neutral and non-polar, at codon 675 of the RAD50 protein (p.Asp675Gly). This variant is present in population databases (rs760373328, gnomAD 0.002%). This variant has not been reported in the literature in individuals affected with RAD50-related conditions. ClinVar contains an entry for this variant (Variation ID: 186932). An algorithm developed to predict the effect of missense changes on protein structure and function (PolyPhen-2) suggests that this variant is likely to be tolerated. In summary, the available evidence is currently insufficient to determine the role of this variant in disease. Therefore, it has been classified as a Variant of Uncertain Significance.

NM_005732.4(RAD50):c.2024A>G (p.Asp675Gly)

Gene: RAD50 (RAD50 double strand break repair protein; plus strand). Cytogenetic location: 5q31.1.
Variant type: single nucleotide variant.
Coding change: c.2024A>G on transcript NM_005732.4 (MANE Select); coding-DNA position 2024, A replaced by G.
Protein change: p.Asp675Gly; replaces aspartic acid 675 with glycine.
Molecular consequence: missense variant.
Genome position (GRCh38, 1-based): chr5:132,595,627, A>G. VCF-style: chr5-132595627-A-G. GRCh37 (hg19) VCF-style: chr5-131931319-A-G.
Other names: short protein forms D675G.
Identifiers: ClinVar variation 186932 (VCV000186932.16), dbSNP rs760373328, ClinGen allele CA196269.
Genomic context (GRCh38, chr5:132,595,627, plus strand): 5'-AAATAGCCATGCTGGCTGGAGCCACAGCAGTTTACTCCCAGTTCATTACTCAGCTAACAG[A>G]CGAAAACCAGTCATGTTGCCCCGTTTGTCAGAGAGTTTTTCAGACAGAGGCTGAGTTACA-3'
Protein context (NP_005723.2, residues 665-685): VYSQFITQLT[Asp675Gly]ENQSCCPVCQ